The following is an entry in ClinVar:

NM_000892.5(KLKB1):c.689T>A (p.Ile230Asn)

Gene: KLKB1 (kallikrein B1; plus strand). Cytogenetic location: 4q35.2.
Variant type: single nucleotide variant.
Coding change: c.689T>A on transcript NM_000892.5 (MANE Select); coding-DNA position 689, T replaced by A.
Protein change: p.Ile230Asn; replaces isoleucine 230 with asparagine.
Molecular consequence: missense variant.
Genome position (GRCh38, 1-based): chr4:186,250,333, T>A. VCF-style: chr4-186250333-T-A. GRCh37 (hg19) VCF-style: chr4-187171487-T-A.
Other names: c.575T>A, p.Ile192Asn (NM_001318394.2); c.52T>A, p.Ser18Thr (NM_001318396.2); short protein forms I192N, I230N, S18T.
Identifiers: ClinVar variation 1801471 (VCV001801471.3), dbSNP rs142420360, ClinGen allele CA3163143.

ClinVar aggregate classification (germline): Conflicting classifications of pathogenicity. Review status: criteria provided, conflicting classifications (1 of 4 stars). 2 submissions from 2 submitters: Likely pathogenic (1); Uncertain significance (1). Last evaluated 2026-08-06.

Conditions:
Inherited prekallikrein deficiency. Identifiers: Orphanet 749, MedGen CN305372, MONDO:0012901, OMIM 612423.

Allele frequency attached by ClinVar (database versions not stated): ExAC 0.00018; gnomAD 0.00021; TOPMed 0.00030; ESP Exome Variant Server 0.00046.
gnomAD v4.1: 784 of 1,614,060 alleles (0.049%); highest among the groups gnomAD compares: Non-Finnish European, 0.064%; no homozygotes.

Submissions (2):

OLLIN Analises Genomicas, OLLIN
Classification: Uncertain significance for Inherited prekallikrein deficiency. Last evaluated: 2026-08-06. Review status: criteria provided, single submitter. Criteria: ACMG Guidelines 2015 PMID 25741868. Collection method: clinical testing. Allele origin: germline.
Comment: This missense variant, located in exon 7 (of 15), has been reported in ClinVar (accession VCV001801471.2), in gnomAD with an allele frequency of 0.049%, and in the scientific literature, in compound heterozygosity, in individuals with KLKB1 related disorders (PMID: 32202057). In silico analysis is inconclusive regarding the impact of this variant. According to the currently available evidence, this variant has been classified as uncertain significance (PM2_P, PM3_P).

Institute for Clinical Chemistry and Laboratory Medicine, University Medical Center Mainz
Classification: Likely pathogenic for Inherited prekallikrein deficiency. Review status: criteria provided, single submitter. Criteria: ACMG Guidelines, 2015. Collection method: clinical testing. Allele origin: germline. Inheritance: Autosomal recessive inheritance. Affected: yes. Observed: 1 compound heterozygote.
Comment: Using sanger sequencing, we detected the variants c.689T>A p.(Ile230Asn) and c.1643G>A p.(Cys548Tyr) in KLKB1 (NM_000892.4) in compound heterozygosity (PMID: 32202057). The case was originally sequenced and published in a German PhD thesis (urn:nbn:de:hebis:30-67544). In this thesis, the author also describes a second unrelated case with PK deficiency who is compound heterozygous for the same two variants (c.689T>A and c.1643G>A). The missense variant c.689T>A has a MAF of <1% (dbSNP), and prediction tools (PolyPhen2, SIFT, PROVEAN, MutationTaster) all predicted a deleterious effect. Therefore, we classified it as likely pathogenic in accordance with ACMG guidelines .

Literature cited by the submitters: PubMed 32202057 (cited by OLLIN Analises Genomicas, OLLIN and Institute for Clinical Chemistry and Laboratory Medicine, University Medical Center Mainz).